The following is an entry in ClinVar:

NM_005902.4(SMAD3):c.482C>T (p.Pro161Leu)

Gene: SMAD3 (SMAD family member 3; plus strand). Cytogenetic location: 15q22.33.
Variant type: single nucleotide variant.
Coding change: c.482C>T on transcript NM_005902.4 (MANE Select); coding-DNA position 482, C replaced by T.
Protein change: p.Pro161Leu; replaces proline 161 with leucine.
Molecular consequence: missense variant. On other transcripts: intron variant (2).
Genome position (GRCh38, 1-based): chr15:67,165,334, C>T. VCF-style: chr15-67165334-C-T. GRCh37 (hg19) VCF-style: chr15-67457672-C-T.
Other names: c.167C>T, p.Pro56Leu (NM_001145102.2, NM_001407016.1); c.350C>T, p.Pro117Leu (NM_001145103.2); c.482C>T, p.Pro161Leu (NM_001407011.1, NM_001407013.1); c.335C>T, p.Pro112Leu (NM_001407014.1); c.400+246C>T (NM_001407012.1); c.85+246C>T (NM_001407015.1); short protein forms P112L, P117L, P161L, P56L.
Identifiers: ClinVar variation 3386011 (VCV003386011.2).

ClinVar aggregate classification (germline): Uncertain significance. Review status: criteria provided, multiple submitters, no conflicts (2 of 4 stars). 2 submissions from 2 submitters: Uncertain significance (2). Last evaluated 2025-12-11.

Conditions:
Familial thoracic aortic aneurysm and aortic dissection (TAAD). Also called: Thoracic aortic aneurysms and dissections. Identifiers: Orphanet 91387, MedGen C4707243, MONDO:0019625.
Aneurysm-osteoarthritis syndrome. Also called: LOEYS-DIETZ SYNDROME WITH OSTEOARTHRITIS; SMAD3-Related Loeys-Dietz Syndrome; ANEURYSMS-OSTEOARTHRITIS SYNDROME; Loeys-Dietz syndrome, type 1C. Identifiers: Orphanet 284984, MedGen C3151087, MONDO:0013426, OMIM 613795.

Submissions (2):

Labcorp Genetics (formerly Invitae), Labcorp
Classification: Uncertain significance for Familial thoracic aortic aneurysm and aortic dissection. Last evaluated: 2025-12-11. Review status: criteria provided, single submitter. Criteria: Invitae Variant Classification Sherloc (09022015). Collection method: clinical testing. Allele origin: germline.
Comment: This sequence change replaces proline, which is neutral and non-polar, with leucine, which is neutral and non-polar, at codon 161 of the SMAD3 protein (p.Pro161Leu). This variant is not present in population databases (gnomAD no frequency). This variant has not been reported in the literature in individuals affected with SMAD3-related conditions. ClinVar contains an entry for this variant (Variation ID: 3386011). Invitae Evidence Modeling of protein sequence and biophysical properties (such as structural, functional, and spatial information, amino acid conservation, physicochemical variation, residue mobility, and thermodynamic stability) indicates that this missense variant is not expected to disrupt SMAD3 protein function with a negative predictive value of 80%. In summary, the available evidence is currently insufficient to determine the role of this variant in disease. Therefore, it has been classified as a Variant of Uncertain Significance.

All of Us Research Program, National Institutes of Health
Classification: Uncertain significance for Aneurysm-osteoarthritis syndrome. Last evaluated: 2024-09-27. Review status: criteria provided, single submitter. Criteria: ACMG Guidelines, 2015. Collection method: clinical testing. Allele origin: germline. Inheritance: Autosomal dominant inheritance. Observed: 1 variant allele, 1 heterozygote.
Comment: This study involves interpretation of variants in research participants for the purpose of population health screening. Participant phenotype was not available at the time of variant classification. Additional details can be found in publication PMID: 35346344, PMCID: PMC8962531